The following is an entry in ClinVar:

NM_006904.7(PRKDC):c.2206T>A (p.Leu736Met)

Gene: PRKDC (protein kinase, DNA-activated, catalytic subunit; minus strand). Cytogenetic location: 8q11.21.
Variant type: single nucleotide variant.
Coding change: c.2206T>A on transcript NM_006904.7 (MANE Select); coding-DNA position 2206, T replaced by A.
Protein change: p.Leu736Met; replaces leucine 736 with methionine.
Molecular consequence: missense variant.
Genome position (GRCh38, 1-based): chr8:47,927,824, A>T on the plus strand (T>A on the coding strand, the complement: PRKDC is on the minus strand). VCF-style: chr8-47927824-A-T. GRCh37 (hg19) VCF-style: chr8-48840384-A-T.
Other names: c.2206T>A, p.Leu736Met (NM_001081640.2); short protein forms L736M.
Identifiers: ClinVar variation 3310058 (VCV003310058.1).
Genomic context (GRCh38, chr8:47,927,824, plus strand): 5'-CGCCTACCTGCAGTGCAGGAACGTAGGCTCTAACATCGAGTTCAATGATGTTGTGTGGCA[A>T]GGACAGAAGAAAGGTCAAACAAGAGGCCAAAAGTTCATCTTTGTACTGCTTCATTTTAAC-3'
Protein context (NP_008835.5, residues 726-746): LASCLTFLLS[Leu736Met]PHNIIELDVR

ClinVar aggregate classification (germline): Uncertain significance (1 of 4 stars; one submission).

Submission:

Ambry Genetics
Classification: Uncertain significance. Last evaluated: 2024-05-11. Review status: criteria provided, single submitter. Criteria: Ambry Variant Classification Scheme 2023. Collection method: clinical testing. Allele origin: germline.
Comment: The p.L736M variant (also known as c.2206T>A), located in coding exon 20 of the PRKDC gene, results from a T to A substitution at nucleotide position 2206. The leucine at codon 736 is replaced by methionine, an amino acid with highly similar properties. This amino acid position is conserved. In addition, this alteration is predicted to be tolerated by in silico analysis. Based on the available evidence, the clinical significance of this variant remains unclear.